The following is an entry in ClinVar:

NM_001103.4(ACTN2):c.2614C>T (p.Pro872Ser)

Gene: ACTN2 (actinin alpha 2; plus strand). Cytogenetic location: 1q43.
Variant type: single nucleotide variant.
Coding change: c.2614C>T on transcript NM_001103.4 (MANE Select); coding-DNA position 2614, C replaced by T.
Protein change: p.Pro872Ser; replaces proline 872 with serine.
Molecular consequence: missense variant.
Genome position (GRCh38, 1-based): chr1:236,762,548, C>T. VCF-style: chr1-236762548-C-T. GRCh37 (hg19) VCF-style: chr1-236925848-C-T.
Other names: c.2614C>T, p.Pro872Ser (NM_001278343.2); c.1990C>T, p.Pro664Ser (NM_001278344.2); c.1864C>T, p.Pro622Ser (NM_001412150.1); short protein forms P872S, P622S, P664S.
Identifiers: ClinVar variation 2046298 (VCV002046298.4), dbSNP rs779407684, ClinGen allele CA1473503.

ClinVar aggregate classification (germline): Uncertain significance (1 of 4 stars; one submission).

Conditions:
Dilated cardiomyopathy 1AA (CMD1AA). Also called: Cardiomyopathy, dilated, 1AA, with or without LVNC; CARDIOMYOPATHY, DILATED, 1AA, WITH OR WITHOUT LEFT VENTRICULAR NONCOMPACTION; CARDIOMYOPATHY, FAMILIAL HYPERTROPHIC, 23, WITH OR WITHOUT LEFT VENTRICULAR NONCOMPACTION. Identifiers: Orphanet 154, MedGen C2677338, MONDO:0012808, OMIM 612158.
Primary familial hypertrophic cardiomyopathy (HCM). Identifiers: Orphanet 99739, MedGen C0949658, MeSH D024741, MONDO:0024573. Inheritance: Various modes of inheritance.

Allele frequency attached by ClinVar (database versions not stated): ExAC 0.00001.
gnomAD v4.1: 7 of 1,614,136 alleles (0.00043%); highest among the groups gnomAD compares: Non-Finnish European, 0.00059%; no homozygotes.

Submission:

Labcorp Genetics (formerly Invitae), Labcorp
Classification: Uncertain significance for Primary familial hypertrophic cardiomyopathy; Dilated cardiomyopathy 1AA. Last evaluated: 2021-12-18. Review status: criteria provided, single submitter. Criteria: Invitae Variant Classification Sherloc (09022015). Collection method: clinical testing. Allele origin: germline.
Comment: In summary, the available evidence is currently insufficient to determine the role of this variant in disease. Therefore, it has been classified as a Variant of Uncertain Significance. Algorithms developed to predict the effect of missense changes on protein structure and function are either unavailable or do not agree on the potential impact of this missense change (SIFT: "Deleterious"; PolyPhen-2: "Benign"; Align-GVGD: "Class C65"). This variant has not been reported in the literature in individuals affected with ACTN2-related conditions. This variant is present in population databases (rs779407684, gnomAD 0.002%). This sequence change replaces proline, which is neutral and non-polar, with serine, which is neutral and polar, at codon 872 of the ACTN2 protein (p.Pro872Ser).